The following is an entry in ClinVar:

NM_004706.4(ARHGEF1):c.1623+6G>A

Gene: ARHGEF1 (Rho guanine nucleotide exchange factor 1; plus strand). Cytogenetic location: 19q13.2.
Variant type: single nucleotide variant.
Coding change: c.1623+6G>A on transcript NM_004706.4 (MANE Select); 6 bases into the intron after coding-DNA position 1623, G replaced by A.
Molecular consequence: intron variant.
Genome position (GRCh38, 1-based): chr19:41,902,664, G>A. VCF-style: chr19-41902664-G-A. GRCh37 (hg19) VCF-style: chr19-42406814-G-A.
Other names: c.1623+6G>A (NM_001396003.1, NM_001396006.1); c.1524+6G>A (NM_001396002.1, NM_198977.2, NM_001396004.1); c.1791+6G>A (NM_001396000.1); c.1668+6G>A (NM_199002.2).
Identifiers: ClinVar variation 2896268 (VCV002896268.3), dbSNP rs782279986, ClinGen allele CA9466416.

ClinVar aggregate classification (germline): Uncertain significance (1 of 4 stars; one submission).

Allele frequency attached by ClinVar (database versions not stated): gnomAD exomes 0.00007; ExAC 0.00002.
gnomAD v4.1: 107 of 1,614,080 alleles (0.0066%); highest among the groups gnomAD compares: Non-Finnish European, 0.0086%; no homozygotes.

Submission:

Labcorp Genetics (formerly Invitae), Labcorp
Classification: Uncertain significance. Last evaluated: 2025-07-08. Review status: criteria provided, single submitter. Criteria: Invitae Variant Classification Sherloc (09022015). Collection method: clinical testing. Allele origin: germline.
Comment: This sequence change falls in intron 17 of the ARHGEF1 gene. It does not directly change the encoded amino acid sequence of the ARHGEF1 protein. It affects a nucleotide within the consensus splice site. This variant is present in population databases (rs782279986, gnomAD 0.003%). This variant has not been reported in the literature in individuals affected with ARHGEF1-related conditions. ClinVar contains an entry for this variant (Variation ID: 2896268). Variants that disrupt the consensus splice site are a relatively common cause of aberrant splicing (PMID: 17576681, 9536098). Algorithms developed to predict the effect of sequence changes on RNA splicing suggest that this variant is not likely to affect RNA splicing. In summary, the available evidence is currently insufficient to determine the role of this variant in disease. Therefore, it has been classified as a Variant of Uncertain Significance.

Literature cited by the submitters: PubMed 17576681; PubMed 9536098.